The following is an entry in ClinVar:

NM_000637.5(GSR):c.612C>T (p.Pro204=)

Gene: GSR (glutathione-disulfide reductase; minus strand). Cytogenetic location: 8p12.
Variant type: single nucleotide variant.
Coding change: c.612C>T on transcript NM_000637.5 (MANE Select); coding-DNA position 612, C replaced by T.
Protein change: p.Pro204=; no amino-acid change (proline 204 retained).
Molecular consequence: synonymous variant.
Genome position (GRCh38, 1-based): chr8:30,703,121, G>A on the plus strand (C>T on the coding strand, the complement: GSR is on the minus strand). VCF-style: chr8-30703121-G-A. GRCh37 (hg19) VCF-style: chr8-30560638-G-A.
Other names: c.612C>T, p.Pro204= (NM_001195102.3, NM_001195103.3, NM_001195104.3).
Identifiers: ClinVar variation 3040670 (VCV003040670.4), dbSNP rs145834648, ClinGen allele CA4701471.

ClinVar aggregate classification (germline): Likely benign. Review status: criteria provided, single submitter (1 of 4 stars). 2 submissions from 2 submitters: Likely benign (1). 1 of the submissions does not count toward it. Last evaluated 2026-01-18.

Conditions:
GSR-related disorder. Also called: GSR-related condition.

Allele frequency attached by ClinVar (database versions not stated): 1000 Genomes Project 30x 0.00016; 1000 Genomes Project 0.00020; gnomAD 0.00034; ExAC 0.00011; TOPMed 0.00034; ESP Exome Variant Server 0.00038.
gnomAD v4.1: 131 of 1,614,076 alleles (0.0081%); highest among the groups gnomAD compares: African/African-American, 0.12%; no homozygotes.

Submissions (2):

Labcorp Genetics (formerly Invitae), Labcorp
Classification: Likely benign. Last evaluated: 2026-01-18. Review status: criteria provided, single submitter. Criteria: Invitae Variant Classification Sherloc (09022015). Collection method: clinical testing. Allele origin: germline.

PreventionGenetics, part of Exact Sciences
Classification: Likely benign for GSR-related condition. Last evaluated: 2021-02-16. Review status: no assertion criteria provided. Collection method: clinical testing. Allele origin: germline. Not counted in ClinVar's aggregate classification.
Comment: This variant is classified as likely benign based on ACMG/AMP sequence variant interpretation guidelines (Richards et al. 2015 PMID: 25741868, with internal and published modifications).